The following is an entry in ClinVar:

NM_001111125.3(IQSEC2):c.4110G>A (p.Leu1370=)

Gene: IQSEC2 (IQ motif and Sec7 domain ArfGEF 2; minus strand). Cytogenetic location: Xp11.22.
Variant type: single nucleotide variant.
Coding change: c.4110G>A on transcript NM_001111125.3 (MANE Select); coding-DNA position 4110, G replaced by A.
Protein change: p.Leu1370=; no amino-acid change (leucine 1370 retained).
Molecular consequence: synonymous variant. On other transcripts: 3 prime UTR variant (1).
Genome position (GRCh38, 1-based): chrX:53,234,576, C>T on the plus strand (G>A on the coding strand, the complement: IQSEC2 is on the minus strand). VCF-style: chrX-53234576-C-T. GRCh37 (hg19) VCF-style: chrX-53263758-C-T.
Other names: c.*595G>A (NM_015075.2).
Identifiers: ClinVar variation 511258 (VCV000511258.10), dbSNP rs1214109386, ClinGen allele CA516673464.
Genomic context (GRCh38, chrX:53,234,576, plus strand): 5'-GAAGATGAAGTGCTTAGGGCCCTGTTTGTGGGCTGGAGGGTGCTGGGGGGCAGGACTGTA[C>T]AGGGGCAGTGGGGATGTGGGCTGGTGCAGGGGGTGGCGGCCATGTGGAGCAAACTGAGGG-3'
Protein context (NP_001104595.1, residues 1360-1380): PLHQPTSPLP[Leu1370=]YSPAPQHPPA

ClinVar aggregate classification (germline): Likely benign. Review status: criteria provided, multiple submitters, no conflicts (2 of 4 stars). 2 submissions from 2 submitters: Likely benign (2). Last evaluated 2024-11-07.

Conditions:
Intellectual developmental disorder, X-linked 1. Also called: MENTAL RETARDATION, X-LINKED 18; MENTAL RETARDATION, X-LINKED 78; Intellectual disability, X-linked 1; Atkin Flaitz Patil Smith syndrome. Identifiers: Orphanet 777, MedGen C2931498, MONDO:0010656, OMIM 309530.

Allele frequency attached by ClinVar (database versions not stated): gnomAD exomes below 0.00001; TOPMed 0.00001.
gnomAD v4.1: 3 of 1,121,586 alleles (0.00027%); highest among the groups gnomAD compares: Non-Finnish European, 0.00035%; no homozygotes.

Submissions (2):

Labcorp Genetics (formerly Invitae), Labcorp
Classification: Likely benign for Intellectual developmental disorder, X-linked 1. Last evaluated: 2024-11-07. Review status: criteria provided, single submitter. Criteria: Invitae Variant Classification Sherloc (09022015). Collection method: clinical testing. Allele origin: germline.

GeneDx
Classification: Likely benign. Last evaluated: 2017-08-07. Review status: criteria provided, single submitter. Criteria: GeneDx Variant Classification (06012015). Collection method: clinical testing. Allele origin: germline. Affected: yes.
Comment: This variant is considered likely benign or benign based on one or more of the following criteria: it is a conservative change, it occurs at a poorly conserved position in the protein, it is predicted to be benign by multiple in silico algorithms, and/or has population frequency not consistent with disease.